The following is an entry in ClinVar:

ClinVar aggregate classification (germline): Conflicting classifications of pathogenicity. Review status: criteria provided, conflicting classifications (1 of 4 stars). 3 submissions from 3 submitters: Uncertain significance (1); Likely benign (1). 1 of the submissions does not count toward it. Last evaluated 2025-12-22.

Conditions:
Diamond-Blackfan anemia 5 (DBA5). Also called: RPL35A-Related Diamond-Blackfan Anemia. Identifiers: Orphanet 124, MedGen C2675859, MONDO:0012925, OMIM 612528.
Diamond-Blackfan anemia. Also called: Blackfan Diamond syndrome; Aregenerative anemia chronic congenital; Red cell aplasia, pure hereditary; Congenital hypoplastic anemia; Aase syndrome. Identifiers: Orphanet 124, MedGen C1260899, MeSH D029503, MONDO:0015253, HP:0004810.
RPL35A-related disorder. Also called: RPL35A-related condition.

Allele frequency attached by ClinVar (database versions not stated): ExAC 0.00005; gnomAD 0.00005; TOPMed 0.00005; gnomAD exomes 0.00006; 1000 Genomes Project 30x 0.00016; 1000 Genomes Project 0.00020.
gnomAD v4.1: 66 of 1,614,038 alleles (0.0041%); highest among the groups gnomAD compares: Middle Eastern, 0.2%; no homozygotes.

Submissions (3):

Labcorp Genetics (formerly Invitae), Labcorp
Classification: Likely benign for Diamond-Blackfan anemia 5. Last evaluated: 2025-12-22. Review status: criteria provided, single submitter. Criteria: Invitae Variant Classification Sherloc (09022015). Collection method: clinical testing. Allele origin: germline.

Ambry Genetics
Classification: Uncertain significance for Diamond-Blackfan anemia. Last evaluated: 2014-12-23. Review status: criteria provided, single submitter. Criteria: Ambry Variant Classification Scheme 2023. Collection method: clinical testing. Allele origin: germline.
Comment: The c.12-5C>G intronic variant results from a C to G substitution 5 nucleotides upstream from coding exon 2 in the RPL35a gene. This variant was not reported in population based cohorts in the following databases: Database of Single Nucleotide Polymorphisms (dbSNP), NHLBI Exome Sequencing Project (ESP), and 1000 Genomes Project. In the ESP, this variant was not observed in 6501 samples (13002 alleles) with coverage at this position. This nucleotide position is poorly conserved in available vertebrate species. Using the BDGP and ESEfinder splice site prediction tools, this alteration is predicted to have a slight weakening effect on the native splice acceptor site; however, direct evidence is unavailable. This variant has been detected in conjunction with a pathogenic mutation in the RPS19 by our laboratory. Since supporting evidence is limited at this time, the clinical significance of this variant remains unclear.

PreventionGenetics, part of Exact Sciences
Classification: Likely benign for RPL35A-related condition. Last evaluated: 2019-02-20. Review status: no assertion criteria provided. Collection method: clinical testing. Allele origin: germline. Not counted in ClinVar's aggregate classification.
Comment: This variant is classified as likely benign based on ACMG/AMP sequence variant interpretation guidelines (Richards et al. 2015 PMID: 25741868, with internal and published modifications).

NM_000996.4(RPL35A):c.12-5C>G

Genes: RPL35A (ribosomal protein L35a; plus strand), DRC9 (dynein regulatory complex subunit 9; minus strand). Cytogenetic location: 3q29.
Variant type: single nucleotide variant.
Coding change: c.12-5C>G on transcript NM_000996.4 (MANE Select); 5 bases into the intron before coding-DNA position 12, C replaced by G.
Molecular consequence: intron variant.
Genome position (GRCh38, 1-based): chr3:197,951,154, C>G. VCF-style: chr3-197951154-C-G. GRCh37 (hg19) VCF-style: chr3-197678025-C-G.
Other names: c.-49-7103G>C (NM_001323028.2); c.-59-5468G>C (NM_032263.5); c.-374-5468G>C (NM_001323029.2); c.12-5C>G (NM_001316311.2).
Identifiers: ClinVar variation 1015847 (VCV001015847.9), dbSNP rs541454864, ClinGen allele CA2789156.